The following is an entry in ClinVar:

NM_001044369.3(DIPK1C):c.117C>A (p.Ala39=)

Gene: DIPK1C (divergent protein kinase domain 1C; minus strand). Cytogenetic location: 18q22.3.
Variant type: single nucleotide variant.
Coding change: c.117C>A on transcript NM_001044369.3 (MANE Select); coding-DNA position 117, C replaced by A.
Protein change: p.Ala39=; no amino-acid change (alanine 39 retained).
Molecular consequence: synonymous variant.
Genome position (GRCh38, 1-based): chr18:74,457,143, G>T on the plus strand (C>A on the coding strand, the complement: DIPK1C is on the minus strand). VCF-style: chr18-74457143-G-T. GRCh37 (hg19) VCF-style: chr18-72124378-G-T.
Identifiers: ClinVar variation 2648805 (VCV002648805.24), dbSNP rs755765487, ClinGen allele CA8998893.

ClinVar aggregate classification (germline): Likely benign (1 of 4 stars; one submission).

Allele frequency attached by ClinVar (database versions not stated): ExAC 0.00022; gnomAD 0.00028; TOPMed 0.00037; 1000 Genomes Project 30x 0.00062.
gnomAD v4.1: 373 of 1,429,502 alleles (0.026%); highest among the groups gnomAD compares: Middle Eastern, 0.35%; 3 homozygotes.

Submission:

CeGaT Center for Human Genetics Tuebingen
Classification: Likely benign. Last evaluated: 2022-09-01. Review status: criteria provided, single submitter. Criteria: CeGaT Center For Human Genetics Tuebingen Variant Classification Criteria Version 2. Collection method: clinical testing. Allele origin: germline. Affected: yes. Observed: 1 variant allele.
Comment: DIPK1C: BP4, BP7